The following is an entry in ClinVar:

ClinVar aggregate classification (germline): Uncertain significance (1 of 4 stars; one submission).

Allele frequency attached by ClinVar (database versions not stated): gnomAD exomes 0.00012; ExAC 0.00020; 1000 Genomes Project 0.00040; 1000 Genomes Project 30x 0.00047; gnomAD 0.00056 and 0.00061; TOPMed 0.00061; ESP Exome Variant Server 0.00069.
gnomAD v4.1: 162 of 1,613,882 alleles (0.01%); highest among the groups gnomAD compares: African/African-American, 0.19%; 1 homozygote.

Submission:

Labcorp Genetics (formerly Invitae), Labcorp
Classification: Uncertain significance. Last evaluated: 2023-10-13. Review status: criteria provided, single submitter. Criteria: Invitae Variant Classification Sherloc (09022015). Collection method: clinical testing. Allele origin: germline.
Comment: This sequence change replaces valine, which is neutral and non-polar, with isoleucine, which is neutral and non-polar, at codon 656 of the CEP63 protein (p.Val656Ile). This variant is present in population databases (rs147203916, gnomAD 0.2%). This variant has not been reported in the literature in individuals affected with CEP63-related conditions. ClinVar contains an entry for this variant (Variation ID: 1438538). Advanced modeling of protein sequence and biophysical properties (such as structural, functional, and spatial information, amino acid conservation, physicochemical variation, residue mobility, and thermodynamic stability) performed at Invitae indicates that this missense variant is not expected to disrupt CEP63 protein function. In summary, the available evidence is currently insufficient to determine the role of this variant in disease. Therefore, it has been classified as a Variant of Uncertain Significance.

NM_001353108.3(CEP63):c.1966G>A (p.Val656Ile)

Gene: CEP63 (centrosomal protein 63; plus strand). Cytogenetic location: 3q22.2.
Variant type: single nucleotide variant.
Coding change: c.1966G>A on transcript NM_001353108.3 (MANE Select); coding-DNA position 1966, G replaced by A.
Protein change: p.Val656Ile; replaces valine 656 with isoleucine.
Molecular consequence: missense variant. On other transcripts: non-coding transcript variant (4), intron variant (5).
Genome position (GRCh38, 1-based): chr3:134,561,389, G>A. VCF-style: chr3-134561389-G-A. GRCh37 (hg19) VCF-style: chr3-134280231-G-A.
Other names: c.1342G>A, p.Val448Ile (NM_001042383.2, NM_001353119.2, NM_001353120.2 and 2 more transcripts); c.1480G>A, p.Val494Ile (NM_001042400.3, NM_001353110.1, NM_001353111.2 and 1 more transcripts); c.1828G>A, p.Val610Ile (NM_001353109.1); c.1369G>A, p.Val457Ile (NM_001353118.1); c.1258G>A, p.Val420Ile (NM_001353125.2); c.979G>A, p.Val327Ile (NM_001353126.2); c.1966G>A, p.Val656Ile (NM_025180.5); c.1467+9377G>A (NM_001353113.1, NM_001353117.2); and 1 more; short protein forms V457I, V494I, V610I, V656I, V327I, V420I, V448I.
Identifiers: ClinVar variation 1438538 (VCV001438538.6), dbSNP rs147203916, ClinGen allele CA2628844.
Genomic context (GRCh38, chr3:134,561,389, plus strand): 5'-TATAATATTCTACTTATTTACACATGTCAAAATTTGTGTCTCTTCCAGTGTTCCTTGCCT[G>A]TATCTCCCCTTGGTTCAATAGCTACCAGATTTTTGGAAGAGGAGGAACTGAGGTCTCATC-3'
Protein context (NP_001340037.1, residues 646-666): EEFISSCSLP[Val656Ile]SPLGSIATRF